The following is an entry in ClinVar:

NM_002439.5(MSH3):c.1381A>T (p.Ile461Phe)

Gene: MSH3 (mutS homolog 3; plus strand). Cytogenetic location: 5q14.1.
Variant type: single nucleotide variant.
Coding change: c.1381A>T on transcript NM_002439.5 (MANE Select); coding-DNA position 1381, A replaced by T.
Protein change: p.Ile461Phe; replaces isoleucine 461 with phenylalanine.
Molecular consequence: missense variant.
Genome position (GRCh38, 1-based): chr5:80,725,493, A>T. VCF-style: chr5-80725493-A-T. GRCh37 (hg19) VCF-style: chr5-80021312-A-T.
Other names: short protein forms I461F.
Identifiers: ClinVar variation 2823570 (VCV002823570.3), dbSNP rs201589579, ClinGen allele CA360273440.

ClinVar aggregate classification (germline): Uncertain significance (1 of 4 stars; one submission).

Submission:

Labcorp Genetics (formerly Invitae), Labcorp
Classification: Uncertain significance. Last evaluated: 2024-09-03. Review status: criteria provided, single submitter. Criteria: Invitae Variant Classification Sherloc (09022015). Collection method: clinical testing. Allele origin: germline.
Comment: This sequence change replaces isoleucine, which is neutral and non-polar, with phenylalanine, which is neutral and non-polar, at codon 461 of the MSH3 protein (p.Ile461Phe). This variant is not present in population databases (gnomAD no frequency). This variant has not been reported in the literature in individuals affected with MSH3-related conditions. An algorithm developed to predict the effect of missense changes on protein structure and function (PolyPhen-2) suggests that this variant is likely to be tolerated. In summary, the available evidence is currently insufficient to determine the role of this variant in disease. Therefore, it has been classified as a Variant of Uncertain Significance.